The following is an entry in ClinVar:

NM_001134407.3(GRIN2A):c.3995C>A (p.Pro1332His)

Gene: GRIN2A (glutamate ionotropic receptor NMDA type subunit 2A; minus strand). Cytogenetic location: 16p13.2.
Variant type: single nucleotide variant.
Coding change: c.3995C>A on transcript NM_001134407.3 (MANE Select); coding-DNA position 3995, C replaced by A.
Protein change: p.Pro1332His; replaces proline 1332 with histidine.
Molecular consequence: missense variant. On other transcripts: intron variant (1).
Genome position (GRCh38, 1-based): chr16:9,763,549, G>T on the plus strand (C>A on the coding strand, the complement: GRIN2A is on the minus strand). VCF-style: chr16-9763549-G-T. GRCh37 (hg19) VCF-style: chr16-9857406-G-T.
Other names: c.3995C>A, p.Pro1332His (NM_000833.5); c.3773-121C>A (NM_001134408.2); short protein forms P1332H.
Identifiers: ClinVar variation 1303841 (VCV001303841.2), dbSNP rs2141127704, ClinGen allele CA394706396.

ClinVar aggregate classification (germline): Uncertain significance (1 of 4 stars; one submission).

Submission:

GeneDx
Classification: Uncertain significance. Last evaluated: 2021-05-20. Review status: criteria provided, single submitter. Criteria: GeneDx Variant Classification Process June 2021. Collection method: clinical testing. Allele origin: germline. Affected: yes.
Comment: Not observed in large population cohorts (Lek et al., 2016); In silico analysis supports that this missense variant does not alter protein structure/function; Has not been previously published as pathogenic or benign to our knowledge